The following is an entry in ClinVar:

ClinVar aggregate classification (germline): Uncertain significance (1 of 4 stars; one submission).

gnomAD v4.1: 2 of 1,614,162 alleles (0.00012%); highest among the groups gnomAD compares: Non-Finnish European, 0.00017%; no homozygotes.

Submission:

Labcorp Genetics (formerly Invitae), Labcorp
Classification: Uncertain significance. Last evaluated: 2026-01-05. Review status: criteria provided, single submitter. Criteria: Invitae Variant Classification Sherloc (09022015). Collection method: clinical testing. Allele origin: germline.
Comment: This sequence change replaces asparagine, which is neutral and polar, with serine, which is neutral and polar, at codon 418 of the VIPAS39 protein (p.Asn418Ser). This variant is not present in population databases (gnomAD no frequency). This variant has not been reported in the literature in individuals affected with VIPAS39-related conditions. Invitae Evidence Modeling of protein sequence and biophysical properties (such as structural, functional, and spatial information, amino acid conservation, physicochemical variation, residue mobility, and thermodynamic stability) indicates that this missense variant is not expected to disrupt VIPAS39 protein function with a negative predictive value of 80%. In summary, the available evidence is currently insufficient to determine the role of this variant in disease. Therefore, it has been classified as a Variant of Uncertain Significance.

NM_001193315.2(VIPAS39):c.1253A>G (p.Asn418Ser)

Gene: VIPAS39 (VPS33B interacting protein, apical-basolateral polarity regulator, spe-39 homolog; minus strand). Cytogenetic location: 14q24.3.
Variant type: single nucleotide variant.
Coding change: c.1253A>G on transcript NM_001193315.2 (MANE Select); coding-DNA position 1253, A replaced by G.
Protein change: p.Asn418Ser; replaces asparagine 418 with serine.
Molecular consequence: missense variant. On other transcripts: non-coding transcript variant (1), intron variant (4).
Genome position (GRCh38, 1-based): chr14:77,429,694, T>C on the plus strand (A>G on the coding strand, the complement: VIPAS39 is on the minus strand). VCF-style: chr14-77429694-T-C. GRCh37 (hg19) VCF-style: chr14-77896037-T-C.
Other names: c.1253A>G, p.Asn418Ser (NM_001193314.2, NM_001193317.2, NM_001400326.1 and 2 more transcripts); c.1106A>G, p.Asn369Ser (NM_001193316.2, NM_001400324.1, NM_001400325.1); c.1220A>G, p.Asn407Ser (NM_001400327.1); c.1160A>G, p.Asn387Ser (NM_001400333.1, NM_001400334.1); c.1118A>G, p.Asn373Ser (NM_001400336.1); c.1013A>G, p.Asn338Ser (NM_001400337.1); c.968A>G, p.Asn323Ser (NM_001400339.1); c.988-599A>G (NM_001400338.1); and 1 more; short protein forms N338S, N407S, N418S, N323S, N369S, N387S, N373S.
Identifiers: ClinVar variation 4780768 (VCV004780768.1).